The following is an entry in ClinVar:

ClinVar aggregate classification (germline): Uncertain significance. Review status: criteria provided, multiple submitters, no conflicts (2 of 4 stars). 3 submissions from 3 submitters: Uncertain significance (3). Last evaluated 2026-08-06.

Conditions:
Leukoencephalopathy, hereditary diffuse, with spheroids 2 (HDLS2). Also called: LEUKOENCEPHALOPATHY, HEREDITARY DIFFUSE, WITH SPHEROIDS, SWEDISH TYPE. Identifiers: MedGen C5562044, MONDO:0030634, OMIM 619661.
Charcot-Marie-Tooth disease type 2. Also called: Charcot-Marie-Tooth type 2. Identifiers: Orphanet 64746, MedGen C0270914, MONDO:0018993.
Inborn genetic diseases. Identifiers: MedGen C0950123, MeSH D030342.

Allele frequency attached by ClinVar (database versions not stated): TOPMed 0.00001.

Submissions (3):

OLLIN Analises Genomicas, OLLIN
Classification: Uncertain significance for Leukoencephalopathy, hereditary diffuse, with spheroids 2. Last evaluated: 2026-08-06. Review status: criteria provided, single submitter. Criteria: ACMG Guidelines 2015 PMID 25741868. Collection method: clinical testing. Allele origin: germline.
Comment: This missense variant, located in exon 14 (of 21), has been reported in ClinVar (accession VCV001682184.7) and in gnomAD with an allele frequency of 0.00031%. However, to our knowledge, it has not been reported in the scientific literature. In silico analysis predicts that this variant has a tolerated effect. According to the currently available evidence, this variant has been classified as uncertain significance (BP4_M).

Labcorp Genetics (formerly Invitae), Labcorp
Classification: Uncertain significance for Charcot-Marie-Tooth disease type 2. Last evaluated: 2025-09-16. Review status: criteria provided, single submitter. Criteria: Invitae Variant Classification Sherloc (09022015). Collection method: clinical testing. Allele origin: germline.
Comment: This sequence change replaces lysine, which is basic and polar, with glutamine, which is neutral and polar, at codon 650 of the AARS protein (p.Lys650Gln). This variant is not present in population databases (gnomAD no frequency). This variant has not been reported in the literature in individuals affected with AARS-related conditions. ClinVar contains an entry for this variant (Variation ID: 1682184). Invitae Evidence Modeling of protein sequence and biophysical properties (such as structural, functional, and spatial information, amino acid conservation, physicochemical variation, residue mobility, and thermodynamic stability) indicates that this missense variant is not expected to disrupt AARS protein function with a negative predictive value of 95%. In summary, the available evidence is currently insufficient to determine the role of this variant in disease. Therefore, it has been classified as a Variant of Uncertain Significance.

Ambry Genetics
Classification: Uncertain significance for Inborn genetic diseases. Last evaluated: 2025-04-03. Review status: criteria provided, single submitter. Criteria: Ambry Variant Classification Scheme 2023. Collection method: clinical testing. Allele origin: germline.

NM_001605.3(AARS1):c.1948A>C (p.Lys650Gln)

Gene: AARS1 (alanyl-tRNA synthetase 1; minus strand). Cytogenetic location: 16q22.1.
Variant type: single nucleotide variant.
Coding change: c.1948A>C on transcript NM_001605.3 (MANE Select); coding-DNA position 1948, A replaced by C.
Protein change: p.Lys650Gln; replaces lysine 650 with glutamine.
Molecular consequence: missense variant.
Genome position (GRCh38, 1-based): chr16:70,259,024, T>G on the plus strand (A>C on the coding strand, the complement: AARS1 is on the minus strand). VCF-style: chr16-70259024-T-G. GRCh37 (hg19) VCF-style: chr16-70292927-T-G.
Other names: c.1948A>C (NM_001605.2); short protein forms K650Q.
Identifiers: ClinVar variation 1682184 (VCV001682184.8), dbSNP rs573789791, ClinGen allele CA283430312.
Genomic context (GRCh38, chr16:70,259,024, plus strand): 5'-CCGTCGCCCATCCTACCTTGGCTGCCTCAATCATCTCATTAGCAATCTCTTCAGCCTTCT[T>G]GATCTGTTGGGTGGACATGGCTCCCTTGGCAGTAAAGTCAAATCTGAGGCGGTCAGGAGC-3'
Protein context (NP_001596.2, residues 640-660): AKGAMSTQQI[Lys650Gln]KAEEIANEMI